The following is an entry in ClinVar:

ClinVar aggregate classification (germline): Uncertain significance (1 of 4 stars; one submission).

Conditions:
Charcot-Marie-Tooth disease type 4. Also called: Charcot-Marie-Tooth, Type 4; Charcot-Marie-Tooth disease, type IV. Identifiers: Orphanet 64749, MedGen C4082197, MONDO:0018995.

Allele frequency attached by ClinVar (database versions not stated): gnomAD below 0.00001 and 0.00002; TOPMed below 0.00001; gnomAD exomes 0.00001; ExAC 0.00002; 1000 Genomes Project 30x 0.00031; 1000 Genomes Project 0.00040.
gnomAD v4.1: 20 of 1,614,098 alleles (0.0012%); highest among the groups gnomAD compares: South Asian, 0.0044%; no homozygotes.

Submission:

Labcorp Genetics (formerly Invitae), Labcorp
Classification: Uncertain significance for Charcot-Marie-Tooth disease type 4. Last evaluated: 2022-07-15. Review status: criteria provided, single submitter. Criteria: Invitae Variant Classification Sherloc (09022015). Collection method: clinical testing. Allele origin: germline.
Comment: This sequence change replaces valine, which is neutral and non-polar, with alanine, which is neutral and non-polar, at codon 259 of the NDRG1 protein (p.Val259Ala). This variant is present in population databases (rs201759485, gnomAD 0.003%). This variant has not been reported in the literature in individuals affected with NDRG1-related conditions. ClinVar contains an entry for this variant (Variation ID: 655338). Algorithms developed to predict the effect of missense changes on protein structure and function are either unavailable or do not agree on the potential impact of this missense change (SIFT: "Tolerated"; PolyPhen-2: "Probably Damaging"; Align-GVGD: "Class C0"). In summary, the available evidence is currently insufficient to determine the role of this variant in disease. Therefore, it has been classified as a Variant of Uncertain Significance.

NM_006096.4(NDRG1):c.776T>C (p.Val259Ala)

Genes: NDRG1 (N-myc downstream regulated 1; minus strand), LOC126860531 (CDK7 strongly-dependent group 2 enhancer GRCh37_chr8:134259869-134261068; plus strand). Cytogenetic location: 8q24.22.
Variant type: single nucleotide variant.
Coding change: c.776T>C on transcript NM_006096.4 (MANE Select); coding-DNA position 776, T replaced by C.
Protein change: p.Val259Ala; replaces valine 259 with alanine.
Molecular consequence: missense variant.
Genome position (GRCh38, 1-based): chr8:133,247,906, A>G on the plus strand (T>C on the coding strand, the complement: NDRG1 is on the minus strand). VCF-style: chr8-133247906-A-G. GRCh37 (hg19) VCF-style: chr8-134260149-A-G.
Other names: c.776T>C, p.Val259Ala (NM_001135242.2, NM_001374845.1, NM_001374846.1); c.578T>C, p.Val193Ala (NM_001258432.2, NM_001374847.1); c.533T>C, p.Val178Ala (NM_001258433.2); c.827T>C, p.Val276Ala (NM_001374844.1); short protein forms V259A, V178A, V193A, V276A.
Identifiers: ClinVar variation 655338 (VCV000655338.4), dbSNP rs201759485, ClinGen allele CA4886588.